The following is an entry in ClinVar:

NM_015021.3(ZNF292):c.6661_6664del (p.Leu2221fs)

Gene: ZNF292 (zinc finger protein 292; plus strand). Cytogenetic location: 6q14.3.
Variant type: Deletion.
Coding change: c.6661_6664del on transcript NM_015021.3 (MANE Select); coding-DNA positions 6661 to 6664, 4 bases deleted (TTAG; older notation c.6661_6664delTTAG).
Protein change: p.Leu2221fs; shifts the reading frame from leucine 2221.
Molecular consequence: frameshift variant.
Genome position (GRCh38, 1-based): chr6:87,260,290-87,260,293, TTAG deleted; deleting any 4 consecutive bases within chr6:87,260,288-87,260,293 gives the same sequence; the c. name uses the placement nearest the transcript's 3' end. VCF-style (leftmost placement, unchanged base first): chr6-87260287-CAGTT-C. GRCh37 (hg19) VCF-style: chr6-87970005-CAGTT-C.
Other names: c.6661_6664delTTAG (NM_015021.1); c.6241_6244del, p.Leu2081fs (NM_001351444.2); short protein forms L2081fs, L2221fs.
Identifiers: ClinVar variation 981412 (VCV000981412.7), dbSNP rs1775494843, ClinGen allele CA1139659725.

ClinVar aggregate classification (germline): Conflicting classifications of pathogenicity. Review status: criteria provided, conflicting classifications (1 of 4 stars). 3 submissions from 3 submitters: Likely pathogenic (1); Uncertain significance (1). 1 of the submissions does not count toward it. Last evaluated 2020-09-10.

Conditions:
Neurodevelopmental disorder. Identifiers: MedGen C1535926, MeSH D065886, MONDO:0700092.
Intellectual disability. Also called: intellectual disabilities; Intellectual developmental disorder; Intellectual functioning disability. Identifiers: MedGen C3714756, MeSH D008607, MONDO:0001071, HP:0001249.
Inborn genetic diseases. Identifiers: MedGen C0950123, MeSH D030342.

Submissions (3):

Diagnostic Laboratory, Strasbourg University Hospital
Classification: Uncertain significance for Intellectual disability. Last evaluated: 2020-09-10. Review status: criteria provided, single submitter. Criteria: ACMG Guidelines, 2015. Collection method: clinical testing. Allele origin: maternal. Affected: yes. Observed: 1 heterozygote.

Ambry Genetics
Classification: Likely pathogenic for Inborn genetic diseases. Last evaluated: 2020-07-14. Review status: criteria provided, single submitter. Criteria: Ambry Variant Classification Scheme 2023. Collection method: clinical testing. Allele origin: germline.
Comment: The alteration results in a premature stop codon: _x000D_ _x000D_ The c.6661_6664delTTAG (p.L2221Sfs*10) alteration, located in coding exon 8 of the ZNF292 gene, results from a deletion of 4 nucleotides from positions 6661 to 6664, causing a translational frameshift with a predicted alternate stop codon after 10 amino acids. Frameshifts are typically deleterious in nature; however, this frameshift occurs at the 3' terminus of ZNF292, is not expected to trigger nonsense-mediated mRNA decay, and a truncated mutant protein could still be expressed (Maquat, 2004). This alteration impacts the last 503 amino acids of the protein. Although the exact functional impact of these altered amino acids is unknown at this time, it is predicted that this alteration would remove a significant portion of the protein. The alteration is not observed in population databases:_x000D_ _x000D_ Based on data from the Genome Aggregation Database (gnomAD), the ZNF292 c.6661_6664delTTAG alteration was not observed, with coverage at this position. In a second individual, this variant was reportedly maternally inherited; Other family members with intellectual disabilities were negative for this alteration (Mirzaa, 2020). Based on the available evidence, this alteration is classified as likely pathogenic.

University of Washington Center for Mendelian Genomics, University of Washington
Classification: Uncertain significance for Neurodevelopmental disorder. Review status: no assertion criteria provided. Collection method: research. Allele origin: de novo, maternal. Affected: yes. Observed: 2 variant alleles. Not counted in ClinVar's aggregate classification.

Literature cited by the submitters: PubMed 31723249 (cited by Ambry Genetics and University of Washington Center for Mendelian Genomics, University of Washington).